The following is an entry in ClinVar:

NM_003002.4(SDHD):c.52+8G>A

Genes: SDHD (succinate dehydrogenase complex subunit D; plus strand), LOC126861339 (BRD4-independent group 4 enhancer GRCh37_chr11:111957035-111958234; plus strand). Cytogenetic location: 11q23.1.
Variant type: single nucleotide variant.
Coding change: c.52+8G>A on transcript NM_003002.4 (MANE Select); 8 bases into the intron after coding-DNA position 52, G replaced by A.
Molecular consequence: intron variant.
Genome position (GRCh38, 1-based): chr11:112,086,967, G>A. VCF-style: chr11-112086967-G-A. GRCh37 (hg19) VCF-style: chr11-111957691-G-A.
Other names: c.52+8G>A (NM_001276506.2, NM_001276503.2, NM_001276504.2).
Identifiers: ClinVar variation 1151470 (VCV001151470.11), dbSNP rs370761122, ClinGen allele CA071479.
Genomic context (GRCh38, chr11:112,086,967, plus strand): 5'-GATGGCGGTTCTCTGGAGGCTGAGTGCCGTTTGCGGTGCCCTAGGAGGCCGAGGTGAGGG[G>A]TCTTCCCACCCTGAGGTGCTTAGCGTAGCCTCCAGCCAGGGAAGGGGATGGAAGTGAGGA-3'

ClinVar aggregate classification (germline): Likely benign. Review status: criteria provided, multiple submitters, no conflicts (2 of 4 stars). 2 submissions from 2 submitters: Likely benign (2). Last evaluated 2025-03-17.

Conditions:
Pheochromocytoma/paraganglioma syndrome 1. Also called: Paragangliomas 1; Glomus tumors familial 1; Paraganglioma - glomus jugulare; SDHD-Related Hereditary Paraganglioma-Pheochromocytoma Syndrome; PARAGANGLIOMAS, FAMILIAL NONCHROMAFFIN, 1; PGL 1. Identifiers: Orphanet 29072, MedGen C3494181, MONDO:0008192, OMIM 168000.
Pheochromocytoma. Also called: MAX-Related Hereditary Paraganglioma-Pheochromocytoma Syndrome. Identifiers: Orphanet 29072, MedGen C0031511, MONDO:0008233, OMIM 171300, HP:0002666.
Cowden syndrome 3 (CWS3). Identifiers: Orphanet 201, MedGen CN166604, MONDO:0014045.
Paragangliomas with sensorineural hearing loss. Identifiers: MedGen C1868633.
Carney-Stratakis syndrome. Also called: PARAGANGLIOMA AND GASTROINTESTINAL STROMAL TUMOR. Identifiers: Orphanet 97286, MedGen C1847319, MONDO:0011740, OMIM 606864.

Allele frequency attached by ClinVar (database versions not stated): gnomAD exomes 0.00001 and 0.00002; ExAC 0.00002; ESP Exome Variant Server 0.00008.
gnomAD v4.1: 13 of 1,614,172 alleles (0.00081%); highest among the groups gnomAD compares: Non-Finnish European, 0.0011%; no homozygotes.

Submissions (2):

Myriad Genetics, Inc.
Classification: Likely benign for Pheochromocytoma/paraganglioma syndrome 1. Last evaluated: 2025-03-17. Review status: criteria provided, single submitter. Criteria: Myriad Autosomal Dominant, Autosomal Recessive and X-Linked Classification Criteria (2023). Collection method: clinical testing. Allele origin: unknown.
Comment: This variant is considered likely benign. This variant is intronic and is not expected to impact mRNA splicing.

Labcorp Genetics (formerly Invitae), Labcorp
Classification: Likely benign for Carney-Stratakis syndrome; Paragangliomas with sensorineural hearing loss; Pheochromocytoma; Cowden syndrome 3. Last evaluated: 2024-05-13. Review status: criteria provided, single submitter. Criteria: Invitae Variant Classification Sherloc (09022015). Collection method: clinical testing. Allele origin: germline.